The following is an entry in ClinVar:

ClinVar aggregate classification (germline): Uncertain significance. Review status: criteria provided, multiple submitters, no conflicts (2 of 4 stars). 3 submissions from 3 submitters: Uncertain significance (3). Last evaluated 2024-02-15.

Conditions:
Colorectal cancer, susceptibility to, 12 (CRCS12). Also called: COLORECTAL CANCER, SUSCEPTIBILITY TO, ON CHROMOSOME 12q24. Identifiers: Orphanet 220460, MedGen C3554460, MONDO:0014038, OMIM 615083.
Facial dysmorphism-immunodeficiency-livedo-short stature syndrome. Also called: FILS syndrome; Facial dysmorphism, immunodeficiency, livedo, and short stature. Identifiers: Orphanet 352712, MedGen C3554576, MONDO:0014058, OMIM 615139.
Intrauterine growth retardation, metaphyseal dysplasia, adrenal hypoplasia congenita, genital anomalies, and immunodeficiency. Also called: IMAGEI SYNDROME. Identifiers: MedGen C5193036, MONDO:0032684, OMIM 618336.
Hereditary cancer-predisposing syndrome. Also called: Neoplastic Syndromes, Hereditary; Hereditary Cancer Syndrome; Hereditary neoplastic syndrome; Tumor predisposition. Identifiers: Orphanet 140162, MedGen C0027672, MeSH D009386, MONDO:0015356.

Allele frequency attached by ClinVar (database versions not stated): gnomAD exomes below 0.00001; gnomAD 0.00001; TOPMed 0.00001.
gnomAD v4.1: 2 of 1,613,534 alleles (0.00012%); highest among the groups gnomAD compares: East Asian, 0.0045%; no homozygotes.

Submissions (3):

Fulgent Genetics
Classification: Uncertain significance for Colorectal cancer, susceptibility to, 12; Facial dysmorphism-immunodeficiency-livedo-short stature syndrome; Intrauterine growth retardation, metaphyseal dysplasia, adrenal hypoplasia congenita, genital anomalies, and immunodeficiency. Last evaluated: 2024-02-15. Review status: criteria provided, single submitter. Criteria: ACMG Guidelines, 2015. Collection method: clinical testing. Allele origin: germline.

Labcorp Genetics (formerly Invitae), Labcorp
Classification: Uncertain significance. Last evaluated: 2023-05-23. Review status: criteria provided, single submitter. Criteria: Invitae Variant Classification Sherloc (09022015). Collection method: clinical testing. Allele origin: germline.
Comment: This variant has not been reported in the literature in individuals affected with POLE-related conditions. This variant is not present in population databases (gnomAD no frequency). This sequence change replaces aspartic acid, which is acidic and polar, with glycine, which is neutral and non-polar, at codon 1615 of the POLE protein (p.Asp1615Gly). In summary, the available evidence is currently insufficient to determine the role of this variant in disease. Therefore, it has been classified as a Variant of Uncertain Significance. Advanced modeling of protein sequence and biophysical properties (such as structural, functional, and spatial information, amino acid conservation, physicochemical variation, residue mobility, and thermodynamic stability) performed at Invitae indicates that this missense variant is not expected to disrupt POLE protein function. ClinVar contains an entry for this variant (Variation ID: 933309).

Ambry Genetics
Classification: Uncertain significance for Hereditary cancer-predisposing syndrome. Last evaluated: 2022-11-20. Review status: criteria provided, single submitter. Criteria: Ambry Variant Classification Scheme 2023. Collection method: clinical testing. Allele origin: germline.
Comment: The p.D1615G variant (also known as c.4844A>G), located in coding exon 37 of the POLE gene, results from an A to G substitution at nucleotide position 4844. The aspartic acid at codon 1615 is replaced by glycine, an amino acid with similar properties. This amino acid position is conserved. In addition, the in silico prediction for this alteration is inconclusive. Since supporting evidence is limited at this time, the clinical significance of this alteration remains unclear.

NM_006231.4(POLE):c.4844A>G (p.Asp1615Gly)

Gene: POLE (DNA polymerase epsilon, catalytic subunit; minus strand). Cytogenetic location: 12q24.33.
Variant type: single nucleotide variant.
Coding change: c.4844A>G on transcript NM_006231.4 (MANE Select); coding-DNA position 4844, A replaced by G.
Protein change: p.Asp1615Gly; replaces aspartic acid 1615 with glycine.
Molecular consequence: missense variant.
Genome position (GRCh38, 1-based): chr12:132,642,614, T>C on the plus strand (A>G on the coding strand, the complement: POLE is on the minus strand). VCF-style: chr12-132642614-T-C. GRCh37 (hg19) VCF-style: chr12-133219200-T-C.
Other names: c.4844A>G (NM_006231.2); short protein forms D1615G.
Identifiers: ClinVar variation 933309 (VCV000933309.12), dbSNP rs2042174030, ClinGen allele CA387378197.